The following is an entry in ClinVar:

NM_206965.2(FTCD):c.438C>T (p.Tyr146=)

Genes: FTCD (formimidoyltransferase cyclodeaminase; minus strand), FTCD-AS1 (FTCD antisense RNA 1; plus strand). Cytogenetic location: 21q22.3.
Variant type: single nucleotide variant.
Coding change: c.438C>T on transcript NM_206965.2 (MANE Select); coding-DNA position 438, C replaced by T.
Protein change: p.Tyr146=; no amino-acid change (tyrosine 146 retained).
Molecular consequence: synonymous variant.
Genome position (GRCh38, 1-based): chr21:46,151,910, G>A on the plus strand (C>T on the coding strand, the complement: FTCD is on the minus strand). VCF-style: chr21-46151910-G-A. GRCh37 (hg19) VCF-style: chr21-47571824-G-A.
Other names: c.438C>T, p.Tyr146= (NM_001320412.2, NM_006657.3).
Identifiers: ClinVar variation 706116 (VCV000706116.6), dbSNP rs563175425, ClinGen allele CA10073912.

ClinVar aggregate classification (germline): Likely benign. Review status: criteria provided, multiple submitters, no conflicts (2 of 4 stars). 2 submissions from 2 submitters: Likely benign (2). Last evaluated 2026-06-01.

Conditions:
Glutamate formiminotransferase deficiency. Also called: Formiminoglutamic aciduria; Arakawa syndrome 1. Identifiers: Orphanet 51208, MedGen C0268609, MONDO:0009240, OMIM 229100.

Allele frequency attached by ClinVar (database versions not stated): gnomAD exomes 0.00005; TOPMed 0.00005; gnomAD 0.00006 and 0.00005; 1000 Genomes Project 0.00020; ExAC 0.00025; 1000 Genomes Project 30x 0.00031.
gnomAD v4.1: 65 of 1,565,132 alleles (0.0042%); highest among the groups gnomAD compares: Admixed American, 0.015%; no homozygotes.

Submissions (2):

CeGaT Center for Human Genetics Tuebingen
Classification: Likely benign. Last evaluated: 2026-06-01. Review status: criteria provided, single submitter. Criteria: CeGaT Center For Human Genetics Tuebingen Variant Classification Criteria Version 2. Collection method: clinical testing. Allele origin: germline. Affected: yes. Observed: 1 variant allele.
Comment: FTCD: BP4, BP7

Labcorp Genetics (formerly Invitae), Labcorp
Classification: Likely benign for Glutamate formiminotransferase deficiency. Last evaluated: 2026-01-16. Review status: criteria provided, single submitter. Criteria: Invitae Variant Classification Sherloc (09022015). Collection method: clinical testing. Allele origin: germline.